The following is an entry in ClinVar:

ClinVar aggregate classification (germline): Uncertain significance. Review status: criteria provided, multiple submitters, no conflicts (2 of 4 stars). 2 submissions from 2 submitters: Uncertain significance (2). Last evaluated 2025-08-09.

Conditions:
Charcot-Marie-Tooth disease type 2. Also called: Charcot-Marie-Tooth type 2. Identifiers: Orphanet 64746, MedGen C0270914, MONDO:0018993.

Allele frequency attached by ClinVar (database versions not stated): TOPMed 0.00001.
gnomAD v4.1: 6 of 1,614,064 alleles (0.00037%); highest among the groups gnomAD compares: Non-Finnish European, 0.00042%; no homozygotes.

Submissions (2):

Ambry Genetics
Classification: Uncertain significance. Last evaluated: 2025-08-09. Review status: criteria provided, single submitter. Criteria: Ambry Variant Classification Scheme 2023. Collection method: clinical testing. Allele origin: germline.

Labcorp Genetics (formerly Invitae), Labcorp
Classification: Uncertain significance for Charcot-Marie-Tooth disease type 2. Last evaluated: 2023-09-15. Review status: criteria provided, single submitter. Criteria: Invitae Variant Classification Sherloc (09022015). Collection method: clinical testing. Allele origin: germline.
Comment: In summary, the available evidence is currently insufficient to determine the role of this variant in disease. Therefore, it has been classified as a Variant of Uncertain Significance. An algorithm developed to predict the effect of missense changes on protein structure and function (PolyPhen-2) suggests that this variant is likely to be disruptive. ClinVar contains an entry for this variant (Variation ID: 1739346). This variant has not been reported in the literature in individuals affected with KIF1B-related conditions. This variant is present in population databases (no rsID available, gnomAD 0.003%). This sequence change replaces arginine, which is basic and polar, with glutamine, which is neutral and polar, at codon 1427 of the KIF1B protein (p.Arg1427Gln).

NM_001365951.3(KIF1B):c.4418G>A (p.Arg1473Gln)

Gene: KIF1B (kinesin family member 1B; plus strand). Cytogenetic location: 1p36.22.
Variant type: single nucleotide variant.
Coding change: c.4418G>A on transcript NM_001365951.3 (MANE Select); coding-DNA position 4418, G replaced by A.
Protein change: p.Arg1473Gln; replaces arginine 1473 with glutamine.
Molecular consequence: missense variant.
Genome position (GRCh38, 1-based): chr1:10,365,151, G>A. VCF-style: chr1-10365151-G-A. GRCh37 (hg19) VCF-style: chr1-10425209-G-A.
Other names: c.4418G>A, p.Arg1473Gln (NM_001365952.1); c.4280G>A, p.Arg1427Gln (NM_015074.3); short protein forms R1427Q, R1473Q.
Identifiers: ClinVar variation 1739346 (VCV001739346.8), dbSNP rs1384701975, ClinGen allele CA338320445.